The following is an entry in ClinVar:

ClinVar aggregate classification (germline): Uncertain significance (1 of 4 stars; one submission).

Conditions:
Inborn genetic diseases. Identifiers: MedGen C0950123, MeSH D030342.

Submission:

Ambry Genetics
Classification: Uncertain significance for Inborn genetic diseases. Last evaluated: 2025-05-11. Review status: criteria provided, single submitter. Criteria: Ambry Variant Classification Scheme 2023. Collection method: clinical testing. Allele origin: germline.
Comment: The p.H32Y variant (also known as c.94C>T), located in coding exon 1 of the SAMD9 gene, results from a C to T substitution at nucleotide position 94. The histidine at codon 32 is replaced by tyrosine, an amino acid with similar properties. This amino acid position is conserved. In addition, this alteration is predicted to be tolerated by in silico analysis. Based on the available evidence, the clinical significance of this variant remains unclear.

NM_017654.4(SAMD9):c.94C>T (p.His32Tyr)

Gene: SAMD9 (sterile alpha motif domain containing 9; minus strand). Cytogenetic location: 7q21.2.
Variant type: single nucleotide variant.
Coding change: c.94C>T on transcript NM_017654.4 (MANE Select); coding-DNA position 94, C replaced by T.
Protein change: p.His32Tyr; replaces histidine 32 with tyrosine.
Molecular consequence: missense variant.
Genome position (GRCh38, 1-based): chr7:93,106,004, G>A on the plus strand (C>T on the coding strand, the complement: SAMD9 is on the minus strand). VCF-style: chr7-93106004-G-A. GRCh37 (hg19) VCF-style: chr7-92735317-G-A.
Other names: c.94C>T, p.His32Tyr (NM_001193307.2); short protein forms H32Y.
Identifiers: ClinVar variation 3949622 (VCV003949622.1).
Genomic context (GRCh38, chr7:93,106,004, plus strand): 5'-CTTTTTTTAACCACTTCAAGACTGCTCCATTCACGTCTTGTTCAGTCAAAATTTCCCTGT[G>A]TTTTTGGTCAATCTTATGACTTTCTAACCACTGATTTACATCCTCTTTTGTCCAATCATC-3'
Protein context (NP_060124.2, residues 22-42): WLESHKIDQK[His32Tyr]REILTEQDVN